The following is an entry in ClinVar:

NM_006648.4(WNK2):c.135C>A (p.Ser45Arg)

Gene: WNK2 (WNK lysine deficient protein kinase 2; plus strand). Cytogenetic location: 9q22.31.
Variant type: single nucleotide variant.
Coding change: c.135C>A on transcript NM_006648.4 (MANE Select); coding-DNA position 135, C replaced by A.
Protein change: p.Ser45Arg; replaces serine 45 with arginine.
Molecular consequence: missense variant.
Genome position (GRCh38, 1-based): chr9:93,185,064, C>A. VCF-style: chr9-93185064-C-A. GRCh37 (hg19) VCF-style: chr9-95947346-C-A.
Other names: c.135C>A, p.Ser45Arg (NM_001282394.3); short protein forms S45R.
Identifiers: ClinVar variation 3981730 (VCV003981730.1).

ClinVar aggregate classification (germline): Uncertain significance (1 of 4 stars; one submission).

Submission:

Ambry Genetics
Classification: Uncertain significance. Last evaluated: 2025-03-26. Review status: criteria provided, single submitter. Criteria: Ambry Variant Classification Scheme 2023. Collection method: clinical testing. Allele origin: germline.
Comment: The p.S45R variant (also known as c.135C>A), located in coding exon 1 of the WNK2 gene, results from a C to A substitution at nucleotide position 135. The serine at codon 45 is replaced by arginine, an amino acid with dissimilar properties. This amino acid position is conserved. In addition, this alteration is predicted to be tolerated by in silico analysis. Based on the available evidence, the clinical significance of this variant remains unclear.